The following is an entry in ClinVar:

NM_032608.7(MYO18B):c.1643T>A (p.Ile548Asn)

Gene: MYO18B (myosin XVIIIB; plus strand). Cytogenetic location: 22q12.1.
Variant type: single nucleotide variant.
Coding change: c.1643T>A on transcript NM_032608.7 (MANE Select); coding-DNA position 1643, T replaced by A.
Protein change: p.Ile548Asn; replaces isoleucine 548 with asparagine.
Molecular consequence: missense variant.
Genome position (GRCh38, 1-based): chr22:25,770,935, T>A. VCF-style: chr22-25770935-T-A. GRCh37 (hg19) VCF-style: chr22-26166902-T-A.
Other names: p.Ile548Asn; c.1643T>A, p.Ile548Asn (NM_001318245.2); short protein forms I548N.
Identifiers: ClinVar variation 1386923 (VCV001386923.8), dbSNP rs201482451, ClinGen allele CA10159904.

ClinVar aggregate classification (germline): Uncertain significance. Review status: criteria provided, multiple submitters, no conflicts (2 of 4 stars). 2 submissions from 2 submitters: Uncertain significance (2). Last evaluated 2024-10-15.

gnomAD v4.1: 527 of 1,552,116 alleles (0.034%); highest among the groups gnomAD compares: Non-Finnish European, 0.041%; no homozygotes.

Submissions (2):

Labcorp Genetics (formerly Invitae), Labcorp
Classification: Uncertain significance. Last evaluated: 2024-10-15. Review status: criteria provided, single submitter. Criteria: Invitae Variant Classification Sherloc (09022015). Collection method: clinical testing. Allele origin: germline.
Comment: This sequence change replaces isoleucine, which is neutral and non-polar, with asparagine, which is neutral and polar, at codon 548 of the MYO18B protein (p.Ile548Asn). This variant is present in population databases (rs201482451, gnomAD 0.03%). This variant has not been reported in the literature in individuals affected with MYO18B-related conditions. ClinVar contains an entry for this variant (Variation ID: 1386923). An algorithm developed to predict the effect of missense changes on protein structure and function (PolyPhen-2) suggests that this variant is likely to be disruptive. In summary, the available evidence is currently insufficient to determine the role of this variant in disease. Therefore, it has been classified as a Variant of Uncertain Significance.

Mayo Clinic Laboratories, Mayo Clinic
Classification: Uncertain significance. Last evaluated: 2018-07-02. Review status: criteria provided, single submitter. Criteria: ACMG Guidelines, 2015. Collection method: clinical testing. Allele origin: germline.